The following is an entry in ClinVar:

NM_000784.4(CYP27A1):c.1508C>A (p.Pro503Gln)

Gene: CYP27A1 (cytochrome P450 family 27 subfamily A member 1; plus strand). Cytogenetic location: 2q35.
Variant type: single nucleotide variant.
Coding change: c.1508C>A on transcript NM_000784.4 (MANE Select); coding-DNA position 1508, C replaced by A.
Protein change: p.Pro503Gln; replaces proline 503 with glutamine.
Molecular consequence: missense variant.
Genome position (GRCh38, 1-based): chr2:218,814,942, C>A. VCF-style: chr2-218814942-C-A. GRCh37 (hg19) VCF-style: chr2-219679665-C-A.
Other names: short protein forms P503Q.
Identifiers: ClinVar variation 4008774 (VCV004008774.1).
Genomic context (GRCh38, chr2:218,814,942, plus strand): 5'-CCCAACCACATGTGCTCTTTACCCCCCAGCTGATCCAGAAGTACAAGGTGGTCCTGGCCC[C>A]GGAGACGGGGGAGTTGAAGAGTGTGGCCCGCATTGTCCTGGTTCCCAATAAGAAAGTGGG-3'
Protein context (NP_000775.1, residues 493-513): LIQKYKVVLA[Pro503Gln]ETGELKSVAR

ClinVar aggregate classification (germline): Uncertain significance (1 of 4 stars; one submission).

Conditions:
Cardiovascular phenotype. Identifiers: MedGen CN230736.

gnomAD v4.1: 1 of 1,614,104 alleles (0.000062%); highest among the groups gnomAD compares: East Asian, 0.0022%; no homozygotes.

Submission:

Ambry Genetics
Classification: Uncertain significance for Cardiovascular phenotype. Last evaluated: 2025-04-30. Review status: criteria provided, single submitter. Criteria: Ambry Variant Classification Scheme 2023. Collection method: clinical testing. Allele origin: germline.
Comment: The p.P503Q variant (also known as c.1508C>A), located in coding exon 9 of the CYP27A1 gene, results from a C to A substitution at nucleotide position 1508. The proline at codon 503 is replaced by glutamine, an amino acid with similar properties. This amino acid position is conserved. In addition, the in silico prediction for this alteration is inconclusive. Based on the available evidence, the clinical significance of this variant remains unclear.